The following is an entry in ClinVar:

NM_001039591.3(USP9X):c.755T>C (p.Ile252Thr)

Gene: USP9X (ubiquitin specific peptidase 9 X-linked; plus strand). Cytogenetic location: Xp11.4.
Variant type: single nucleotide variant.
Coding change: c.755T>C on transcript NM_001039591.3 (MANE Select); coding-DNA position 755, T replaced by C.
Protein change: p.Ile252Thr; replaces isoleucine 252 with threonine.
Molecular consequence: missense variant.
Genome position (GRCh38, 1-based): chrX:41,140,756, T>C. VCF-style: chrX-41140756-T-C. GRCh37 (hg19) VCF-style: chrX-41000009-T-C.
Other names: c.755T>C, p.Ile252Thr (NM_001039590.3, NM_001410748.1, NM_001410749.1); c.755T>C (NM_001039590.2); short protein forms I252T.
Identifiers: ClinVar variation 2957839 (VCV002957839.4), dbSNP rs2519130320, ClinGen allele CA412765718.
Genomic context (GRCh38, chrX:41,140,756, plus strand): 5'-ATGGGTTCCAGATTTTGCATGATCGTTTTATTAATGGATCAGCATTAAACGTTCAAATAA[T>C]TGCAGCCCTTATTAAGTAAGTTACATTTAAAAATCAATGGTTAGTGCACCGTAGAATTGC-3'
Protein context (NP_001034680.2, residues 242-262): INGSALNVQI[Ile252Thr]AALIKPFGQC

ClinVar aggregate classification (germline): Uncertain significance. Review status: criteria provided, multiple submitters, no conflicts (2 of 4 stars). 2 submissions from 2 submitters: Uncertain significance (2). Last evaluated 2024-09-09.

Submissions (2):

GeneDx
Classification: Uncertain significance. Last evaluated: 2024-09-09. Review status: criteria provided, single submitter. Criteria: GeneDx Variant Classification Process June 2021. Collection method: clinical testing. Allele origin: germline. Affected: yes.
Comment: Not observed at significant frequency in large population cohorts (gnomAD); In silico analysis supports that this missense variant has a deleterious effect on protein structure/function; Has not been previously published as pathogenic or benign to our knowledge

Labcorp Genetics (formerly Invitae), Labcorp
Classification: Uncertain significance. Last evaluated: 2024-04-10. Review status: criteria provided, single submitter. Criteria: Invitae Variant Classification Sherloc (09022015). Collection method: clinical testing. Allele origin: germline.
Comment: This sequence change replaces isoleucine, which is neutral and non-polar, with threonine, which is neutral and polar, at codon 252 of the USP9X protein (p.Ile252Thr). This variant is not present in population databases (gnomAD no frequency). This variant has not been reported in the literature in individuals affected with USP9X-related conditions. An algorithm developed to predict the effect of missense changes on protein structure and function (PolyPhen-2) suggests that this variant is likely to be disruptive. In summary, the available evidence is currently insufficient to determine the role of this variant in disease. Therefore, it has been classified as a Variant of Uncertain Significance.